The following is an entry in ClinVar:

NM_153006.3(NAGS):c.460G>T (p.Val154Leu)

Gene: NAGS (N-acetylglutamate synthase; plus strand). Cytogenetic location: 17q21.31.
Variant type: single nucleotide variant.
Coding change: c.460G>T on transcript NM_153006.3 (MANE Select); coding-DNA position 460, G replaced by T.
Protein change: p.Val154Leu; replaces valine 154 with leucine.
Molecular consequence: missense variant.
Genome position (GRCh38, 1-based): chr17:44,005,670, G>T. VCF-style: chr17-44005670-G-T. GRCh37 (hg19) VCF-style: chr17-42083038-G-T.
Other names: c.460G>T (NM_153006.2); short protein forms V154L.
Identifiers: ClinVar variation 3609332 (VCV003609332.3).

ClinVar aggregate classification (germline): Uncertain significance. Review status: criteria provided, multiple submitters, no conflicts (2 of 4 stars). 2 submissions from 2 submitters: Uncertain significance (2). Last evaluated 2025-04-03.

Conditions:
Hyperammonemia, type III (NAGSD). Also called: Hyperammonemia due to N-acetylglutamate synthase deficiency. Identifiers: Orphanet 927, MedGen C0268543, MONDO:0009377, OMIM 237310.
Inborn genetic diseases. Identifiers: MedGen C0950123, MeSH D030342.

gnomAD v4.1: 3 of 1,610,386 alleles (0.00019%); highest among the groups gnomAD compares: Non-Finnish European, 0.00017%; no homozygotes.

Submissions (2):

Ambry Genetics
Classification: Uncertain significance for Inborn genetic diseases. Last evaluated: 2025-04-03. Review status: criteria provided, single submitter. Criteria: Ambry Variant Classification Scheme 2023. Collection method: clinical testing. Allele origin: germline.

Labcorp Genetics (formerly Invitae), Labcorp
Classification: Uncertain significance for Hyperammonemia, type III. Last evaluated: 2024-10-14. Review status: criteria provided, single submitter. Criteria: Invitae Variant Classification Sherloc (09022015). Collection method: clinical testing. Allele origin: germline.
Comment: This sequence change replaces valine, which is neutral and non-polar, with leucine, which is neutral and non-polar, at codon 154 of the NAGS protein (p.Val154Leu). The frequency data for this variant in the population databases is considered unreliable, as metrics indicate poor data quality at this position in the gnomAD database. This variant has not been reported in the literature in individuals affected with NAGS-related conditions. Invitae Evidence Modeling of protein sequence and biophysical properties (such as structural, functional, and spatial information, amino acid conservation, physicochemical variation, residue mobility, and thermodynamic stability) indicates that this missense variant is not expected to disrupt NAGS protein function with a negative predictive value of 80%. In summary, the available evidence is currently insufficient to determine the role of this variant in disease. Therefore, it has been classified as a Variant of Uncertain Significance.